The following is an entry in ClinVar:

NM_001005273.3(CHD3):c.2897G>A (p.Arg966Gln)

Gene: CHD3 (chromodomain helicase DNA binding protein 3; plus strand). Cytogenetic location: 17p13.1.
Variant type: single nucleotide variant.
Coding change: c.2897G>A on transcript NM_001005273.3 (MANE Select); coding-DNA position 2897, G replaced by A.
Protein change: p.Arg966Gln; replaces arginine 966 with glutamine.
Molecular consequence: missense variant.
Genome position (GRCh38, 1-based): chr17:7,900,650, G>A. VCF-style: chr17-7900650-G-A. GRCh37 (hg19) VCF-style: chr17-7803968-G-A.
Other names: c.3074G>A, p.Arg1025Gln (NM_001005271.3); c.2897G>A, p.Arg966Gln (NM_005852.4); short protein forms R1025Q, R966Q.
Identifiers: ClinVar variation 493205 (VCV000493205.51), dbSNP rs1555611692, ClinGen allele CA397940598.

ClinVar aggregate classification (germline): Conflicting classifications of pathogenicity. Review status: criteria provided, conflicting classifications (1 of 4 stars). 5 submissions from 5 submitters: Pathogenic (1); Likely pathogenic (2); Uncertain significance (2). Last evaluated 2020-08-26.

Conditions:
Snijders Blok-Campeau syndrome. Also called: INTELLECTUAL DEVELOPMENTAL DISORDER WITH MACROCEPHALY, SPEECH DELAY, AND DYSMORPHIC FACIES. Identifiers: Orphanet 599082, MedGen C4748701, MONDO:0032600, OMIM 618205.
Inborn genetic diseases. Identifiers: MedGen C0950123, MeSH D030342.

Submissions (5):

GeneDx
Classification: Pathogenic. Last evaluated: 2020-08-26. Review status: criteria provided, single submitter. Criteria: GeneDx Variant Classification Process June 2021. Collection method: clinical testing. Allele origin: germline. Affected: yes.
Comment: Not observed in large population cohorts (Lek et al., 2016); In silico analysis supports that this missense variant has a deleterious effect on protein structure/function; Has not been previously published as pathogenic or benign to our knowledge

Genomic Medicine Lab, University of California San Francisco
Classification: Likely pathogenic for Snijders Blok-Campeau syndrome. Last evaluated: 2019-08-15. Review status: criteria provided, single submitter. Criteria: ACMG Guidelines, 2015. Collection method: clinical testing. Allele origin: de novo. Inheritance: Autosomal dominant inheritance. Affected: yes. Study: CSER-P3EGS.

CeGaT Center for Human Genetics Tuebingen
Classification: Uncertain significance. Last evaluated: 2017-01-01. Review status: criteria provided, single submitter. Criteria: CeGaT Center For Human Genetics Tuebingen Variant Classification Criteria Version 2. Collection method: clinical testing. Allele origin: germline. Affected: yes. Observed: 1 variant allele.

Ambry Genetics
Classification: Uncertain significance for Inborn genetic diseases. Last evaluated: 2014-11-05. Review status: criteria provided, single submitter. Criteria: Ambry exome assertion method (8-5-2015). Collection method: clinical testing. Allele origin: germline. Affected: yes. Observed: 1 variant allele.

Clinical Genetics Service, Universitary Hospital 12 de Octubre
Classification: Likely pathogenic for Snijders Blok-Campeau syndrome. Review status: criteria provided, single submitter. Criteria: ACMG Guidelines, 2015. Collection method: clinical testing. Allele origin: germline. Affected: yes.